The following is an entry in ClinVar:

ClinVar aggregate classification (germline): Uncertain significance (1 of 4 stars; one submission).

Conditions:
Hyaline fibromatosis syndrome (HFS). Also called: Hyalinosis, Inherited Systemic; HYALINOSIS, SYSTEMIC. Identifiers: Orphanet 2028, Orphanet 498474, MedGen C5574677, MONDO:0009229, OMIM 228600.

Submission:

3billion
Classification: Uncertain significance for Hyaline fibromatosis syndrome. Last evaluated: 2023-07-20. Review status: criteria provided, single submitter. Criteria: ACMG Guidelines, 2015. Collection method: clinical testing. Allele origin: germline. Affected: yes.
Comment: The variant is not observed in the gnomAD v2.1.1 dataset. Predicted Consequence/Location: Missense variant In silico tool predictions suggest damaging effect of the variant on gene or gene product (REVEL: 0.81). Therefore, this variant is classified as VUS according to the recommendation of ACMG/AMP guideline.

NM_058172.6(ANTXR2):c.1205C>T (p.Thr402Ile)

Gene: ANTXR2 (ANTXR cell adhesion molecule 2; minus strand). Cytogenetic location: 4q21.21.
Variant type: single nucleotide variant.
Coding change: c.1205C>T on transcript NM_058172.6 (MANE Select); coding-DNA position 1205, C replaced by T.
Protein change: p.Thr402Ile; replaces threonine 402 with isoleucine.
Molecular consequence: missense variant.
Genome position (GRCh38, 1-based): chr4:79,978,149, G>A on the plus strand (C>T on the coding strand, the complement: ANTXR2 is on the minus strand). VCF-style: chr4-79978149-G-A. GRCh37 (hg19) VCF-style: chr4-80899303-G-A.
Other names: c.974C>T, p.Thr325Ile (NM_001286781.2, NM_001286780.2); c.1205C>T, p.Thr402Ile (NM_001145794.2); short protein forms T325I, T402I.
Identifiers: ClinVar variation 3776283 (VCV003776283.1).
Genomic context (GRCh38, chr4:79,978,149, plus strand): 5'-GTTTCTTCAGGAATCTTCACCACAGCATTTTTGGCTTTCTCTAGCCTTGCACCTTCCTCA[G>A]TAGATCCTTTATCACCCCAACGAACCTGTAAAACAAAGGGAGAGTACTGTTATCAGACAT-3'
Protein context (NP_477520.2, residues 392-412): MEVRWGDKGS[Thr402Ile]EEGARLEKAK